The following is an entry in ClinVar:

NM_000487.6(ARSA):c.1238A>G (p.Asp413Gly)

Gene: ARSA (arylsulfatase A; minus strand). Cytogenetic location: 22q13.33.
Variant type: single nucleotide variant.
Coding change: c.1238A>G on transcript NM_000487.6 (MANE Select); coding-DNA position 1238, A replaced by G.
Protein change: p.Asp413Gly; replaces aspartic acid 413 with glycine.
Molecular consequence: missense variant.
Genome position (GRCh38, 1-based): chr22:50,625,437, T>C on the plus strand (A>G on the coding strand, the complement: ARSA is on the minus strand). VCF-style: chr22-50625437-T-C. GRCh37 (hg19) VCF-style: chr22-51063865-T-C.
Other names: c.1238A>G, p.Asp413Gly (NM_001085425.3, NM_001085426.3, NM_001085427.3); c.980A>G, p.Asp327Gly (NM_001085428.3, NM_001362782.2); short protein forms D327G, D413G.
Identifiers: ClinVar variation 1320076 (VCV001320076.5), dbSNP rs1383481612, ClinGen allele CA412169360.

ClinVar aggregate classification (germline): Likely pathogenic. Review status: criteria provided, multiple submitters, no conflicts (2 of 4 stars). 2 submissions from 2 submitters: Likely pathogenic (2). Last evaluated 2025-08-25.

Conditions:
Metachromatic leukodystrophy (MLD). Also called: ARSA DEFICIENCY; CEREBROSIDE SULFATASE DEFICIENCY; METACHROMATIC LEUKOENCEPHALOPATHY; SULFATIDE LIPIDOSIS; Cerebral sclerosis diffuse metachromatic form; Arylsulfatase A Deficiency. Identifiers: Orphanet 512, MedGen C0023522, MONDO:0018868, OMIM 250100.

Allele frequency attached by ClinVar (database versions not stated): gnomAD exomes below 0.00001.
gnomAD v4.1: 1 of 1,596,656 alleles (0.000063%); highest among the groups gnomAD compares: East Asian, 0.0022%; no homozygotes.

Submissions (3):

Myriad Genetics, Inc.
Classification: Likely pathogenic for Metachromatic leukodystrophy. Last evaluated: 2025-08-25. Review status: criteria provided, single submitter. Criteria: Myriad Autosomal Dominant, Autosomal Recessive and X-Linked Classification Criteria (2023). Collection method: clinical testing. Allele origin: unknown.
Comment: NM_000487.5(ARSA):c.1238A>G(D413G) is a missense variant classified as likely pathogenic in the context of metachromatic leukodystrophy. D413G has been observed in cases with relevant disease (PMID: 30057904, 38775997, 28851938, 32113700). Relevant functional assessments of this variant are available in the literature (PMID: 37480112). D413G has been observed in referenced population frequency databases. In summary, NM_000487.5(ARSA):c.1238A>G(D413G) is a missense variant that has functional support for pathogenicity and has been observed more frequently in cases with the relevant disease than in healthy populations. Please note: this variant was assessed in the context of healthy population screening.

3billion
Classification: Likely pathogenic for Metachromatic leukodystrophy. Last evaluated: 2021-10-02. Review status: criteria provided, single submitter. Criteria: ACMG Guidelines, 2015. Collection method: clinical testing. Allele origin: paternal. Affected: yes. Observed: 1 homozygote.
Comment: It is observed at an extremely low frequency in the gnomAD v2.1.1 dataset (total allele frequency: 0.00000421, PM2). The variant is in trans with a larger deletion variant (PMID: 32113700, PM3). Missense changes are a common disease-causing mechanism (PP2). In silico tool predictions suggest damaging effect of the variant on gene or gene product (REVEL: 0.666, 3Cnet: 0.596, PP3). Patient's phenotype is considered compatible with metachromatic leukodystrophy (3billion dataset, PP4). Therefore, this variant is classified as likely pathogenic according to the recommendation of ACMG/AMP guideline.

Gelb Laboratory, University of Washington
No classification provided (evidence only). Condition: Metachromatic leukodystrophy. Review status: no classification provided. Collection method: in vitro. Allele origin: not applicable. Functional consequence: loss of function. Not counted in ClinVar's aggregate classification.

Literature cited by the submitters: PubMed 28851938 (cited by Myriad Genetics, Inc.); PubMed 30057904 (cited by Myriad Genetics, Inc.); PubMed 32113700 (cited by Myriad Genetics, Inc. and 3billion); PubMed 37480112 (cited by Myriad Genetics, Inc.); PubMed 38775997 (cited by Myriad Genetics, Inc.).